The following is an entry in ClinVar:

NR_003051.4(RMRP):n.170_174dup

Gene: RMRP (RNA component of mitochondrial RNA processing endoribonuclease; minus strand). Cytogenetic location: 9p13.3.
Variant type: Duplication.
Genome position: GRCh38 VCF-style: chr9-35657844-A-ACGCCG. GRCh37 (hg19) VCF-style: chr9-35657841-A-ACGCCG.
Identifiers: ClinVar variation 1053983 (VCV001053983.15), dbSNP rs2131808312, ClinGen allele CA2499219882.
Genomic context (GRCh38, chr9:35,657,844, plus strand): 5'-GTGCGCGGACACGCACTGCCTGCGTAACTAGAGGGAGCTGACGGATGACGCCCCCGCGCC[A>ACGCCG]CGCCGCTCAGCGGGATACGCTTCTTGGCGGACTTTGGAGTGGGAAGCGGGGAATGTCTAC-3'

ClinVar aggregate classification (germline): Uncertain significance (1 of 4 stars; one submission).

Conditions:
Anauxetic dysplasia. Identifiers: Orphanet 93347, MedGen C1846796, MONDO:0011773.

Submission:

Labcorp Genetics (formerly Invitae), Labcorp
Classification: Uncertain significance for Anauxetic dysplasia. Last evaluated: 2020-02-19. Review status: criteria provided, single submitter. Criteria: Invitae Variant Classification Sherloc (09022015). Collection method: clinical testing. Allele origin: germline.
Comment: This variant has not been reported in the literature in individuals with RMRP-related conditions. The frequency data for this variant in the population databases is considered unreliable, as metrics indicate insufficient coverage at this position in the ExAC database. This variant occurs in the RMRP gene, which encodes an RNA molecule that does not result in a protein product. Experimental studies and prediction algorithms are not available for this variant, and the functional significance of this non-coding change is currently unknown. In summary, the available evidence is currently insufficient to determine the role of this variant in disease. Therefore, it has been classified as a Variant of Uncertain Significance.